The following is an entry in ClinVar:

NM_002471.4(MYH6):c.5367G>A (p.Glu1789=)

Gene: MYH6 (myosin heavy chain 6; minus strand). Cytogenetic location: 14q11.2.
Variant type: single nucleotide variant.
Coding change: c.5367G>A on transcript NM_002471.4 (MANE Select); coding-DNA position 5367, G replaced by A.
Protein change: p.Glu1789=; no amino-acid change (glutamic acid 1789 retained).
Molecular consequence: synonymous variant.
Genome position (GRCh38, 1-based): chr14:23,384,640, C>T on the plus strand (G>A on the coding strand, the complement: MYH6 is on the minus strand). VCF-style: chr14-23384640-C-T. GRCh37 (hg19) VCF-style: chr14-23853849-C-T.
Identifiers: ClinVar variation 312845 (VCV000312845.38), dbSNP rs753335327, ClinGen allele CA7114447.

ClinVar aggregate classification (germline): Likely benign. Review status: criteria provided, multiple submitters, no conflicts (2 of 4 stars). 6 submissions from 6 submitters: Likely benign (6). Last evaluated 2026-05-17.

Conditions:
MYH6-related disorder. Also called: MYH6-related condition; MYH6-Related Disorders.
Hypertrophic cardiomyopathy 14. Identifiers: MedGen C2750467, MONDO:0013197, OMIM 613251.
Cardiovascular phenotype. Identifiers: MedGen CN230736.
Hypertrophic cardiomyopathy 1 (CMH1). Also called: MYH7-Related Familial Hypertrophic Cardiomyopathy; Familial hypertrophic cardiomyopathy 1. Identifiers: MedGen C3495498, MONDO:0008647, OMIM 192600.
Atrial septal defect 3 (ASD3). Identifiers: Orphanet 1478, MedGen C3279790, MONDO:0013567, OMIM 614089.
Sick sinus syndrome 3, susceptibility to (SSS3). Identifiers: Orphanet 166282, MedGen C3279791, MONDO:0013568, OMIM 614090.
Dilated cardiomyopathy 1EE (CMD1EE). Identifiers: Orphanet 154, MedGen C2750466, MONDO:0013198, OMIM 613252.

Allele frequency attached by ClinVar (database versions not stated): gnomAD exomes 0.00004 and 0.00006; ExAC 0.00009; gnomAD 0.00001 and 0.00003; TOPMed 0.00002.
gnomAD v4.1: 66 of 1,614,142 alleles (0.0041%); highest among the groups gnomAD compares: South Asian, 0.026%; no homozygotes.

Submissions (6):

PreventionGenetics, part of Exact Sciences
Classification: Likely benign for MYH6-related condition. Last evaluated: 2026-05-17. Review status: criteria provided, single submitter. Criteria: ACMG Guidelines, 2015. Collection method: clinical testing. Allele origin: germline.
Comment: This variant is classified as likely benign based on ACMG/AMP sequence variant interpretation guidelines (Richards et al. 2015 PMID: 25741868, with internal and published modifications).

Labcorp Genetics (formerly Invitae), Labcorp
Classification: Likely benign for Hypertrophic cardiomyopathy 14. Last evaluated: 2025-09-24. Review status: criteria provided, single submitter. Criteria: Invitae Variant Classification Sherloc (09022015). Collection method: clinical testing. Allele origin: germline.

Blueprint Genetics
Classification: Likely benign. Last evaluated: 2024-09-15. Review status: criteria provided, single submitter. Criteria: ACMG Guidelines, 2015. Collection method: clinical testing. Allele origin: germline.

CeGaT Center for Human Genetics Tuebingen
Classification: Likely benign. Last evaluated: 2022-12-01. Review status: criteria provided, single submitter. Criteria: CeGaT Center For Human Genetics Tuebingen Variant Classification Criteria Version 2. Collection method: clinical testing. Allele origin: germline. Affected: yes. Observed: 2 variant alleles.
Comment: MYH6: BP4, BP7

Fulgent Genetics
Classification: Likely benign for Hypertrophic cardiomyopathy 1; Hypertrophic cardiomyopathy 14; Dilated cardiomyopathy 1EE; Atrial septal defect 3; Sick sinus syndrome 3, susceptibility to. Last evaluated: 2021-09-27. Review status: criteria provided, single submitter. Criteria: ACMG Guidelines, 2015. Collection method: clinical testing. Allele origin: unknown.

Ambry Genetics
Classification: Likely benign for Cardiovascular phenotype. Last evaluated: 2020-07-21. Review status: criteria provided, single submitter. Criteria: Ambry Variant Classification Scheme 2023. Collection method: clinical testing. Allele origin: germline.